The following is an entry in ClinVar:

NM_002485.5(NBN):c.1635_1636del (p.Arg546fs)

Gene: NBN (nibrin; minus strand). Cytogenetic location: 8q21.3.
Variant type: Deletion.
Coding change: c.1635_1636del on transcript NM_002485.5 (MANE Select); coding-DNA positions 1635 to 1636, 2 bases deleted (AA; older notation c.1635_1636delAA).
Protein change: p.Arg546fs; shifts the reading frame from arginine 546.
Molecular consequence: frameshift variant.
Genome position (GRCh38, 1-based): chr8:89,953,453-89,953,454, TT deleted on the plus strand (AA on the coding strand, the reverse complement: NBN is on the minus strand). VCF-style (leftmost placement, unchanged base first): chr8-89953452-CTT-C. GRCh37 (hg19) VCF-style: chr8-90965680-CTT-C.
Other names: c.1389_1390del, p.Arg464fs (NM_001024688.3); c.1635_1636delAA (NM_002485.4); short protein forms R464fs, R546fs.
Identifiers: ClinVar variation 618749 (VCV000618749.8), dbSNP rs1563526063, ClinGen allele CA913189513.
Genomic context (GRCh38, chr8:89,953,452, plus strand): 5'-AACTGTTCCAATACTTCATCTTCTATGGCCACATCATCCATTTCCCTTTTTTTATTTGAT[CTT>C]AGCTTTTCTGCAGCATGAGATTTACTGGCAGAATTTTTCACAATAGATTTTAAATCTGTA-3'

ClinVar aggregate classification (germline): Pathogenic (1 of 4 stars; one submission).

Submission:

ARUP Laboratories, Molecular Genetics and Genomics, ARUP Laboratories
Classification: Pathogenic. Last evaluated: 2017-12-01. Review status: criteria provided, single submitter. Criteria: ARUP Molecular Germline Variant Investigation Process. Collection method: clinical testing. Allele origin: germline.
Comment: The p.Arg546fs variant has not been reported in the medical literature, gene specific variation databases, nor has it been previously identified by our laboratory. This variant creates a frameshift in the NBN protein at codon 546 in exon 11/16 which results in a premature termination codon and is predicted to result in a truncated or absent protein product. It is absent from general population databases such as 1000 Genomes, NHLBI GO Exome Sequencing Project (ESP), and the Genome Aggregation Database (gnomAD). Frameshift variants in the NBN gene are a major cause of Nijmegen breakage syndrome (Gene reviews, Varon 1998). Given this evidence, the p.Arg546fs variant is considered to be pathogenic.